The following is an entry in ClinVar:

NM_014251.3(SLC25A13):c.1256T>G (p.Phe419Cys)

Gene: SLC25A13 (solute carrier family 25 member 13; minus strand). Cytogenetic location: 7q21.3.
Variant type: single nucleotide variant.
Coding change: c.1256T>G on transcript NM_014251.3 (MANE Select); coding-DNA position 1256, T replaced by G.
Protein change: p.Phe419Cys; replaces phenylalanine 419 with cysteine.
Molecular consequence: missense variant. On other transcripts: non-coding transcript variant (1).
Genome position (GRCh38, 1-based): chr7:96,170,100, A>C on the plus strand (T>G on the coding strand, the complement: SLC25A13 is on the minus strand). VCF-style: chr7-96170100-A-C. GRCh37 (hg19) VCF-style: chr7-95799412-A-C.
Other names: c.1259T>G, p.Phe420Cys (NM_001160210.2); short protein forms F420C, F419C.
Identifiers: ClinVar variation 1414973 (VCV001414973.4), dbSNP rs2116577055, ClinGen allele CA368258763.
Genomic context (GRCh38, chr7:96,170,100, plus strand): 5'-CTTACGCAGCCTCCAGCAAGAATTTCTGCTGCAAGTGGGACCGAACCATCTTTGTGCATA[A>C]ATTTATCCCTCACAAAATCGTTCACCTTGAAGAAAAATATTTATAGAAGCTGATGAAAAA-3'
Protein context (NP_055066.1, residues 409-429): LTVNDFVRDK[Phe419Cys]MHKDGSVPLA

ClinVar aggregate classification (germline): Uncertain significance (1 of 4 stars; one submission).

Conditions:
Citrin deficiency. Identifiers: Orphanet 247582, MedGen C1997910, MONDO:0016602.

Submission:

Labcorp Genetics (formerly Invitae), Labcorp
Classification: Uncertain significance for Citrin deficiency. Last evaluated: 2022-07-19. Review status: criteria provided, single submitter. Criteria: Invitae Variant Classification Sherloc (09022015). Collection method: clinical testing. Allele origin: germline.
Comment: This sequence change replaces phenylalanine, which is neutral and non-polar, with cysteine, which is neutral and slightly polar, at codon 419 of the SLC25A13 protein (p.Phe419Cys). This variant is not present in population databases (gnomAD no frequency). This variant has not been reported in the literature in individuals affected with SLC25A13-related conditions. ClinVar contains an entry for this variant (Variation ID: 1414973). Advanced modeling of protein sequence and biophysical properties (such as structural, functional, and spatial information, amino acid conservation, physicochemical variation, residue mobility, and thermodynamic stability) performed at Invitae indicates that this missense variant is not expected to disrupt SLC25A13 protein function. Algorithms developed to predict the effect of sequence changes on RNA splicing suggest that this variant may create or strengthen a splice site. In summary, the available evidence is currently insufficient to determine the role of this variant in disease. Therefore, it has been classified as a Variant of Uncertain Significance.